The following is an entry in ClinVar:

NM_001099922.3(ALG13):c.3271G>C (p.Asp1091His)

Gene: ALG13 (ALG13 UDP-N-acetylglucosaminyltransferase subunit; plus strand). Cytogenetic location: Xq23.
Variant type: single nucleotide variant.
Coding change: c.3271G>C on transcript NM_001099922.3 (MANE Select); coding-DNA position 3271, G replaced by C.
Protein change: p.Asp1091His; replaces aspartic acid 1091 with histidine.
Molecular consequence: missense variant. On other transcripts: non-coding transcript variant (1).
Genome position (GRCh38, 1-based): chrX:111,759,856, G>C. VCF-style: chrX-111759856-G-C. GRCh37 (hg19) VCF-style: chrX-111003084-G-C.
Other names: c.2722G>C, p.Asp908His (NM_001257230.2, NM_001257234.2, NM_001257237.2); c.3037G>C, p.Asp1013His (NM_001257231.2); c.3034G>C, p.Asp1012His (NM_001324292.2); c.2548G>C, p.Asp850His (NM_001324293.1); short protein forms D1091H, D850H, D1013H, D1012H, D908H.
Identifiers: ClinVar variation 431802 (VCV000431802.13), dbSNP rs1264248744, ClinGen allele CA414293423.
Genomic context (GRCh38, chrX:111,759,856, plus strand): 5'-TCAGATCCCTATGGGCAGCCACCTTTGCCAGGTTTTGACTCCTGCCTTCCGGTTGTGCCA[G>C]ATTATTCCTGTGTTCCCCCCTGGCATCCAGTTGGTACAGCATATGGTGGTTCTTCTCAAA-3'
Protein context (NP_001093392.1, residues 1081-1101): GFDSCLPVVP[Asp1091His]YSCVPPWHPV

ClinVar aggregate classification (germline): Uncertain significance. Review status: criteria provided, multiple submitters, no conflicts (2 of 4 stars). 3 submissions from 3 submitters: Uncertain significance (3). Last evaluated 2023-11-24.

Conditions:
Developmental and epileptic encephalopathy, 36 (DEE36). Also called: Epileptic encephalopathy, early infantile, 36; ALG13-CDG; Congenital disorder of glycosylation, type Is. Identifiers: Orphanet 324422, MedGen C4317295, MONDO:0010472, OMIM 300884.

Allele frequency attached by ClinVar (database versions not stated): gnomAD exomes 0.00001; TOPMed 0.00001; gnomAD 0.00002.
gnomAD v4.1: 8 of 1,209,108 alleles (0.00066%); highest among the groups gnomAD compares: Non-Finnish European, 0.00089%; no homozygotes.

Submissions (3):

Labcorp Genetics (formerly Invitae), Labcorp
Classification: Uncertain significance for Developmental and epileptic encephalopathy, 36. Last evaluated: 2023-11-24. Review status: criteria provided, single submitter. Criteria: Invitae Variant Classification Sherloc (09022015). Collection method: clinical testing. Allele origin: germline.
Comment: This sequence change replaces aspartic acid, which is acidic and polar, with histidine, which is basic and polar, at codon 1091 of the ALG13 protein (p.Asp1091His). This variant is not present in population databases (gnomAD no frequency). This variant has not been reported in the literature in individuals affected with ALG13-related conditions. ClinVar contains an entry for this variant (Variation ID: 431802). An algorithm developed to predict the effect of missense changes on protein structure and function (PolyPhen-2) suggests that this variant is likely to be disruptive. In summary, the available evidence is currently insufficient to determine the role of this variant in disease. Therefore, it has been classified as a Variant of Uncertain Significance.

Fulgent Genetics
Classification: Uncertain significance for Developmental and epileptic encephalopathy, 36. Last evaluated: 2022-02-15. Review status: criteria provided, single submitter. Criteria: ACMG Guidelines, 2015. Collection method: clinical testing. Allele origin: unknown.

GeneDx
Classification: Uncertain significance. Last evaluated: 2017-05-31. Review status: criteria provided, single submitter. Criteria: GeneDx Variant Classification (06012015). Collection method: clinical testing. Allele origin: germline. Affected: yes.
Comment: The D1091H variant in the ALG13 gene has not been reported previously as a pathogenic variant, nor as a benign variant, to our knowledge. The D1091H variant is not observed in large population cohorts, however, this variant has been detected in the hemizygous state in at least one presumably healthy individual tested at GeneDx (Lek et al., 2016; 1000 Genomes Consortium et al., 2015; Exome Variant Server). The D1091H variant is a non-conservative amino acid substitution, which is likely to impact secondary protein structure as these residues differ in polarity, charge, size and/or other properties. However, this substitution occurs at a position that is not conserved and in silico analysis is inconsistent in its predictions as to whether or not the variant is damaging to the protein structure/function. Based on review of the data in the context of the 2015 ACMG standards and guidelines for the interpretation of sequence variants (Richards et al., 2015), we now interpret D1091H as a variant of uncertain significance.